The following is an entry in ClinVar:

NM_018344.6(SLC29A3):c.401G>A (p.Arg134His)

Gene: SLC29A3 (solute carrier family 29 member 3; plus strand). Cytogenetic location: 10q22.1.
Variant type: single nucleotide variant.
Coding change: c.401G>A on transcript NM_018344.6 (MANE Select); coding-DNA position 401, G replaced by A.
Protein change: p.Arg134His; replaces arginine 134 with histidine.
Molecular consequence: missense variant. On other transcripts: non-coding transcript variant (1).
Genome position (GRCh38, 1-based): chr10:71,351,579, G>A. VCF-style: chr10-71351579-G-A. GRCh37 (hg19) VCF-style: chr10-73111336-G-A.
Other names: c.401G>A (NM_018344.5); c.401G>A, p.Arg134His (NM_001174098.2); c.167G>A, p.Arg56His (NM_001363518.2); short protein forms R134H, R56H.
Identifiers: ClinVar variation 1180717 (VCV001180717.13), dbSNP rs761175955, ClinGen allele CA5542927.

ClinVar aggregate classification (germline): Conflicting classifications of pathogenicity. Review status: criteria provided, conflicting classifications (1 of 4 stars). 4 submissions from 4 submitters: Pathogenic (1); Likely pathogenic (2); Uncertain significance (1). Last evaluated 2025-09-03.

Conditions:
SLC29A3-related disorder. Also called: SLC29A3-related condition.
H syndrome. Also called: FAISALABAD HISTIOCYTOSIS; Pigmented hypertrichosis and insulin-dependent diabetes mellitus; Asrar Facharzt Haque syndrome; Histiocytosis with joint contractures and sensorineural deafness; HISTIOCYTOSIS AND LYMPHADENOPATHY WITH OR WITHOUT CUTANEOUS, CARDIAC, AND/OR ENDOCRINE FEATURES, JOINT CONTRACTURES, AND/OR DEAFNESS; HYPERPIGMENTATION, CUTANEOUS, WITH HYPERTRICHOSIS, HEPATOSPLENOMEGALY, HEART ANOMALIES, AND HYPOGONADISM WITH OR WITHOUT HEARING LOSS. Identifiers: Orphanet 168569, MedGen C1864445, MONDO:0011273, OMIM 602782.

Allele frequency attached by ClinVar (database versions not stated): gnomAD exomes 0.00001 and 0.00002; ExAC 0.00002; gnomAD 0.00002; TOPMed 0.00002.
gnomAD v4.1: 19 of 1,614,088 alleles (0.0012%); highest among the groups gnomAD compares: South Asian, 0.0033%; no homozygotes.

Submissions (4):

PreventionGenetics, part of Exact Sciences
Classification: Likely pathogenic for SLC29A3-related condition. Last evaluated: 2025-09-03. Review status: criteria provided, single submitter. Criteria: ACMG Guidelines, 2015. Collection method: clinical testing. Allele origin: germline.
Comment: The SLC29A3 c.401G>A variant is predicted to result in the amino acid substitution p.Arg134His. This variant was reported in the homozygous state in three individuals from two families with H syndrome (Al-Haggar et al. 2015. PubMed ID: 24894595; Table S2, Abolhassani et al. 2024. PubMed ID: 38374194). This variant is reported in 0.0065% of alleles in individuals of South Asian descent in gnomAD. A different substitution (Cys) at this same amino acid position has been reported as pathogenic (Priya et al. 2010. PubMed ID: 20199539; Amalnath et al. 2023. PubMed ID: 37529453). This variant is interpreted as likely pathogenic.

Labcorp Genetics (formerly Invitae), Labcorp
Classification: Pathogenic for H syndrome. Last evaluated: 2025-05-11. Review status: criteria provided, single submitter. Criteria: Invitae Variant Classification Sherloc (09022015). Collection method: clinical testing. Allele origin: germline.
Comment: This sequence change replaces arginine, which is basic and polar, with histidine, which is basic and polar, at codon 134 of the SLC29A3 protein (p.Arg134His). This variant is present in population databases (rs761175955, gnomAD 0.006%). This missense change has been observed in individual(s) with histiocytosis-lymphadenopathy plus syndrome (PMID: 24894595). It has also been observed to segregate with disease in related individuals. ClinVar contains an entry for this variant (Variation ID: 1180717). Invitae Evidence Modeling of protein sequence and biophysical properties (such as structural, functional, and spatial information, amino acid conservation, physicochemical variation, residue mobility, and thermodynamic stability) indicates that this missense variant is expected to disrupt SLC29A3 protein function with a positive predictive value of 95%. This variant disrupts the p.Arg134 amino acid residue in SLC29A3. Other variant(s) that disrupt this residue have been determined to be pathogenic (PMID: 20199539, 22679148, 23789599, 25967258). This suggests that this residue is clinically significant, and that variants that disrupt this residue are likely to be disease-causing. For these reasons, this variant has been classified as Pathogenic.

GeneDx
Classification: Uncertain significance. Last evaluated: 2022-11-10. Review status: criteria provided, single submitter. Criteria: GeneDx Variant Classification Process June 2021. Collection method: clinical testing. Allele origin: germline. Affected: yes.
Comment: In silico analysis supports that this missense variant has a deleterious effect on protein structure/function; This variant is associated with the following publications: (PMID: 24894595)

Kariminejad - Najmabadi Pathology & Genetics Center
Classification: Likely pathogenic. Last evaluated: 2021-07-10. Review status: criteria provided, single submitter. Criteria: ACMG Guidelines, 2015. Collection method: clinical testing. Allele origin: germline. Affected: yes.

Literature cited by the submitters: PubMed 24894595 (cited by Labcorp Genetics (formerly Invitae), Labcorp); PubMed 20199539 (cited by Labcorp Genetics (formerly Invitae), Labcorp); PubMed 22679148 (cited by Labcorp Genetics (formerly Invitae), Labcorp); PubMed 23789599 (cited by Labcorp Genetics (formerly Invitae), Labcorp); PubMed 25967258 (cited by Labcorp Genetics (formerly Invitae), Labcorp).